The following is an entry in ClinVar:

NM_001018115.3(FANCD2):c.3643C>T (p.Pro1215Ser)

Genes: FANCD2 (FA complementation group D2; plus strand), FANCD2OS (FANCD2 opposite strand; minus strand). Cytogenetic location: 3p25.3.
Variant type: single nucleotide variant.
Coding change: c.3643C>T on transcript NM_001018115.3 (MANE Select); coding-DNA position 3643, C replaced by T.
Protein change: p.Pro1215Ser; replaces proline 1215 with serine.
Molecular consequence: missense variant. On other transcripts: intron variant (1).
Genome position (GRCh38, 1-based): chr3:10,088,910, C>T. VCF-style: chr3-10088910-C-T. GRCh37 (hg19) VCF-style: chr3-10130594-C-T.
Other names: c.3643C>T, p.Pro1215Ser (NM_001319984.2, NM_001374254.1, NM_033084.6); c.3532C>T, p.Pro1178Ser (NM_001374253.1); c.*44-7379G>A (NM_173472.2); short protein forms P1178S, P1215S.
Identifiers: ClinVar variation 1520357 (VCV001520357.8), dbSNP rs941244378, ClinGen allele CA70030718.

ClinVar aggregate classification (germline): Uncertain significance (1 of 4 stars; one submission).

Conditions:
Fanconi anemia (FA). Also called: Fanconi's anemia. Identifiers: Orphanet 84, MedGen C0015625, MeSH D005199, MONDO:0019391.

Allele frequency attached by ClinVar (database versions not stated): gnomAD exomes 0.00001.
gnomAD v4.1: 10 of 1,613,946 alleles (0.00062%); highest among the groups gnomAD compares: Non-Finnish European, 0.00085%; no homozygotes.

Submission:

Labcorp Genetics (formerly Invitae), Labcorp
Classification: Uncertain significance for Fanconi anemia. Last evaluated: 2021-03-26. Review status: criteria provided, single submitter. Criteria: Invitae Variant Classification Sherloc (09022015). Collection method: clinical testing. Allele origin: germline.
Comment: In summary, the available evidence is currently insufficient to determine the role of this variant in disease. Therefore, it has been classified as a Variant of Uncertain Significance. Algorithms developed to predict the effect of missense changes on protein structure and function output the following: SIFT: "Tolerated"; PolyPhen-2: "Benign"; Align-GVGD: "Class C0". The serine amino acid residue is found in multiple mammalian species, suggesting that this missense change does not adversely affect protein function. These predictions have not been confirmed by published functional studies and their clinical significance is uncertain. This variant has not been reported in the literature in individuals with FANCD2-related conditions. This variant is not present in population databases (ExAC no frequency). This sequence change replaces proline with serine at codon 1215 of the FANCD2 protein (p.Pro1215Ser). The proline residue is weakly conserved and there is a moderate physicochemical difference between proline and serine.